The following is an entry in ClinVar:

NM_001322934.2(NFKB2):c.1407C>G (p.Asp469Glu)

Gene: NFKB2 (nuclear factor kappa B subunit 2; plus strand). Cytogenetic location: 10q24.32.
Variant type: single nucleotide variant.
Coding change: c.1407C>G on transcript NM_001322934.2 (MANE Select); coding-DNA position 1407, C replaced by G.
Protein change: p.Asp469Glu; replaces aspartic acid 469 with glutamic acid.
Molecular consequence: missense variant.
Genome position (GRCh38, 1-based): chr10:102,399,656, C>G. VCF-style: chr10-102399656-C-G. GRCh37 (hg19) VCF-style: chr10-104159413-C-G.
Other names: c.1407C>G, p.Asp469Glu (NM_001077494.3, NM_001261403.3, NM_001288724.1 and 1 more transcripts); c.1281C>G, p.Asp427Glu (NM_001322935.1); short protein forms D427E, D469E.
Identifiers: ClinVar variation 1333761 (VCV001333761.8), dbSNP rs772211653, ClinGen allele CA5664811.
Genomic context (GRCh38, chr10:102,399,656, plus strand): 5'-CCTGTTCGGCCTGGCGCAGCGCAGCGCCCGAGCCCTACTCGACTACGGCGTCACCGCGGA[C>G]GCGCGCGCGCTGCTGGCGGGACAGCGCCACCTGCTGACGGCGCAGGACGAGAACGGAGAC-3'
Protein context (NP_001309863.1, residues 459-479): RALLDYGVTA[Asp469Glu]ARALLAGQRH

ClinVar aggregate classification (germline): Uncertain significance. Review status: criteria provided, multiple submitters, no conflicts (2 of 4 stars). 3 submissions from 3 submitters: Uncertain significance (3). Last evaluated 2025-11-28.

Conditions:
Immunodeficiency, common variable, 10. Also called: IMMUNODEFICIENCY, COMMON VARIABLE, WITH CENTRAL ADRENAL INSUFFICIENCY; DEFICIT IN ANTERIOR PITUITARY FUNCTION AND VARIABLE IMMUNODEFICIENCY. Identifiers: MedGen C3809991, MONDO:0014260, OMIM 615577.

Allele frequency attached by ClinVar (database versions not stated): TOPMed 0.00002; gnomAD 0.00004; gnomAD exomes 0.00007.
gnomAD v4.1: 96 of 1,509,346 alleles (0.0064%); highest among the groups gnomAD compares: Non-Finnish European, 0.0084%; no homozygotes.

Submissions (3):

Labcorp Genetics (formerly Invitae), Labcorp
Classification: Uncertain significance for Immunodeficiency, common variable, 10. Last evaluated: 2025-11-28. Review status: criteria provided, single submitter. Criteria: Invitae Variant Classification Sherloc (09022015). Collection method: clinical testing. Allele origin: germline.
Comment: This sequence change replaces aspartic acid, which is acidic and polar, with glutamic acid, which is acidic and polar, at codon 469 of the NFKB2 protein (p.Asp469Glu). This variant is present in population databases (rs772211653, gnomAD 0.004%). This variant has not been reported in the literature in individuals affected with NFKB2-related conditions. ClinVar contains an entry for this variant (Variation ID: 1333761). An algorithm developed to predict the effect of missense changes on protein structure and function (PolyPhen-2) suggests that this variant is likely to be disruptive. In summary, the available evidence is currently insufficient to determine the role of this variant in disease. Therefore, it has been classified as a Variant of Uncertain Significance.

Blueprint Genetics
Classification: Uncertain significance. Last evaluated: 2024-09-25. Review status: criteria provided, single submitter. Criteria: ACMG Guidelines, 2015. Collection method: clinical testing. Allele origin: germline.

CENTOGENE GmbH and LLC - Guiding Precision Medicine
Classification: Uncertain significance for Immunodeficiency, common variable, 10. Last evaluated: 2019-11-26. Review status: criteria provided, single submitter. Criteria: ACMG Guidelines, 2015. Collection method: clinical testing. Allele origin: germline. Affected: yes.